The following is an entry in ClinVar:

NM_014476.6(PDLIM3):c.847G>A (p.Gly283Ser)

Gene: PDLIM3 (PDZ and LIM domain 3; minus strand). Cytogenetic location: 4q35.1.
Variant type: single nucleotide variant.
Coding change: c.847G>A on transcript NM_014476.6 (MANE Select); coding-DNA position 847, G replaced by A.
Protein change: p.Gly283Ser; replaces glycine 283 with serine.
Molecular consequence: missense variant. On other transcripts: non-coding transcript variant (1).
Genome position (GRCh38, 1-based): chr4:185,504,533, C>T on the plus strand (G>A on the coding strand, the complement: PDLIM3 is on the minus strand). VCF-style: chr4-185504533-C-T. GRCh37 (hg19) VCF-style: chr4-186425687-C-T.
Other names: c.847G>A (NM_014476.4); c.703G>A, p.Gly235Ser (NM_001114107.5); c.583G>A, p.Gly195Ser (NM_001257962.2); c.346G>A, p.Gly116Ser (NM_001257963.2); short protein forms G283S, G235S, G116S, G195S.
Identifiers: ClinVar variation 525140 (VCV000525140.10), dbSNP rs779988849, ClinGen allele CA3159669.

ClinVar aggregate classification (germline): Uncertain significance. Review status: criteria provided, multiple submitters, no conflicts (2 of 4 stars). 2 submissions from 2 submitters: Uncertain significance (2). Last evaluated 2025-11-26.

Conditions:
Hypertrophic cardiomyopathy. Also called: HYPERTROPHIC MYOCARDIOPATHY. Identifiers: Orphanet 217569, MedGen C0007194, MeSH D002312, MONDO:0005045, HP:0001639.
Primary dilated cardiomyopathy (DCM). Also called: Dilated Cardiomyopathy. Identifiers: Orphanet 217604, MedGen C0007193, MeSH D002311, MONDO:0005021, HP:0001644. Inheritance: Various modes of inheritance.

Allele frequency attached by ClinVar (database versions not stated): TOPMed 0.00001; gnomAD exomes 0.00002 and 0.00001; ExAC 0.00001.
gnomAD v4.1: 33 of 1,614,224 alleles (0.002%); highest among the groups gnomAD compares: Non-Finnish European, 0.0026%; no homozygotes.

Submissions (2):

Ambry Genetics
Classification: Uncertain significance. Last evaluated: 2025-11-26. Review status: criteria provided, single submitter. Criteria: Ambry Variant Classification Scheme 2023. Collection method: clinical testing. Allele origin: germline.

Labcorp Genetics (formerly Invitae), Labcorp
Classification: Uncertain significance for Hypertrophic cardiomyopathy; Primary dilated cardiomyopathy. Last evaluated: 2025-05-04. Review status: criteria provided, single submitter. Criteria: Invitae Variant Classification Sherloc (09022015). Collection method: clinical testing. Allele origin: germline.
Comment: This sequence change replaces glycine, which is neutral and non-polar, with serine, which is neutral and polar, at codon 283 of the PDLIM3 protein (p.Gly283Ser). This variant is present in population databases (rs779988849, gnomAD 0.002%). This variant has not been reported in the literature in individuals affected with PDLIM3-related conditions. ClinVar contains an entry for this variant (Variation ID: 525140). Invitae Evidence Modeling of protein sequence and biophysical properties (such as structural, functional, and spatial information, amino acid conservation, physicochemical variation, residue mobility, and thermodynamic stability) indicates that this missense variant is not expected to disrupt PDLIM3 protein function with a negative predictive value of 80%. In summary, the available evidence is currently insufficient to determine the role of this variant in disease. Therefore, it has been classified as a Variant of Uncertain Significance.